The following is an entry in ClinVar:

ClinVar aggregate classification (germline): Pathogenic (1 of 4 stars; one submission).

Conditions:
Primary ciliary dyskinesia. Also called: Ciliary dyskinesia. Identifiers: Orphanet 244, MedGen C0008780, MONDO:0016575, HP:0012265.

Submission:

Labcorp Genetics (formerly Invitae), Labcorp
Classification: Pathogenic for Primary ciliary dyskinesia. Last evaluated: 2022-07-29. Review status: criteria provided, single submitter. Criteria: Invitae Variant Classification Sherloc (09022015). Collection method: clinical testing. Allele origin: germline.
Comment: Advanced modeling of protein sequence and biophysical properties (such as structural, functional, and spatial information, amino acid conservation, physicochemical variation, residue mobility, and thermodynamic stability) performed at Invitae indicates that this missense variant is expected to disrupt DNAH11 protein function. For these reasons, this variant has been classified as Pathogenic. This missense change has been observed in individual(s) with clinical features of primary ciliary dyskinesia (Invitae). In at least one individual the data is consistent with being in trans (on the opposite chromosome) from a pathogenic variant. This variant is not present in population databases (gnomAD no frequency). This sequence change replaces aspartic acid, which is acidic and polar, with glycine, which is neutral and non-polar, at codon 2576 of the DNAH11 protein (p.Asp2576Gly).

NM_001277115.2(DNAH11):c.7727A>G (p.Asp2576Gly)

Gene: DNAH11 (dynein axonemal heavy chain 11; plus strand). Cytogenetic location: 7p15.3.
Variant type: single nucleotide variant.
Coding change: c.7727A>G on transcript NM_001277115.2 (MANE Select); coding-DNA position 7727, A replaced by G.
Protein change: p.Asp2576Gly; replaces aspartic acid 2576 with glycine.
Molecular consequence: missense variant.
Genome position (GRCh38, 1-based): chr7:21,738,782, A>G. VCF-style: chr7-21738782-A-G. GRCh37 (hg19) VCF-style: chr7-21778400-A-G.
Other names: c.7748A>G, p.Asp2583Gly (NM_003777.3); short protein forms D2576G, D2583G.
Identifiers: ClinVar variation 1918817 (VCV001918817.5), dbSNP rs2535096116, ClinGen allele CA366950311.